The following is an entry in ClinVar:

ClinVar aggregate classification (germline): Uncertain significance (1 of 4 stars; one submission).

gnomAD v4.1: 2 of 1,611,312 alleles (0.00012%); highest among the groups gnomAD compares: African/African-American, 0.0027%; no homozygotes.

Submission:

GeneDx
Classification: Uncertain significance. Last evaluated: 2025-03-25. Review status: criteria provided, single submitter. Criteria: GeneDx Variant Classification Process June 2021. Collection method: clinical testing. Allele origin: germline. Affected: yes.
Comment: Not observed at significant frequency in large population cohorts (gnomAD); In silico analysis supports that this missense variant has a deleterious effect on protein structure/function; Has not been previously published as pathogenic or benign to our knowledge; Occurs in the triple helical domain at the X position in the canonical Gly-X-Y repeat; although this variant may have an effect on normal protein folding and function, missense substitution at the X position is not a common mechanism of disease (HGMD)

NM_001844.5(COL2A1):c.2603C>G (p.Pro868Arg)

Gene: COL2A1 (collagen type II alpha 1 chain; minus strand). Cytogenetic location: 12q13.11.
Variant type: single nucleotide variant.
Coding change: c.2603C>G on transcript NM_001844.5 (MANE Select); coding-DNA position 2603, C replaced by G.
Protein change: p.Pro868Arg; replaces proline 868 with arginine.
Molecular consequence: missense variant.
Genome position (GRCh38, 1-based): chr12:47,980,576, G>C on the plus strand (C>G on the coding strand, the complement: COL2A1 is on the minus strand). VCF-style: chr12-47980576-G-C. GRCh37 (hg19) VCF-style: chr12-48374359-G-C.
Other names: c.2396C>G, p.Pro799Arg (NM_033150.3); short protein forms P799R, P868R.
Identifiers: ClinVar variation 4088156 (VCV004088156.1).
Genomic context (GRCh38, chr12:47,980,576, plus strand): 5'-CCTTGAGGGAACAATTCTTGGAGTGCAGCGTTACCCACCTGAGGCCCAGGTGCTCCAGAG[G>C]GGCCCTGAGGACCAGGGGCACCAGCATCGCCTTTCTGGCCGGCCTCTCCTTGCTCACCCT-3'
Protein context (NP_001835.3, residues 858-878): GDAGAPGPQG[Pro868Arg]SGAPGPQGPT